The following is an entry in ClinVar:

ClinVar aggregate classification (germline): Likely benign (1 of 4 stars; one submission).

Allele frequency attached by ClinVar (database versions not stated): ESP Exome Variant Server 0.00176; 1000 Genomes Project 30x 0.00203; 1000 Genomes Project 0.00220; gnomAD exomes 0.00413; ExAC 0.00826.
gnomAD v4.1: 6,720 of 1,602,024 alleles (0.42%); highest among the groups gnomAD compares: Non-Finnish European, 0.31%; no homozygotes.

Submission:

CeGaT Center for Human Genetics Tuebingen
Classification: Likely benign. Last evaluated: 2023-01-01. Review status: criteria provided, single submitter. Criteria: CeGaT Center For Human Genetics Tuebingen Variant Classification Criteria Version 2. Collection method: clinical testing. Allele origin: germline. Affected: yes. Observed: 1 variant allele.
Comment: CROCC: BP4, BP7

NM_014675.5(CROCC):c.1014G>A (p.Ala338=)

Gene: CROCC (ciliary rootlet coiled-coil, rootletin; plus strand). Cytogenetic location: 1p36.13.
Variant type: single nucleotide variant.
Coding change: c.1014G>A on transcript NM_014675.5 (MANE Select); coding-DNA position 1014, G replaced by A.
Protein change: p.Ala338=; no amino-acid change (alanine 338 retained).
Molecular consequence: synonymous variant.
Genome position (GRCh38, 1-based): chr1:16,936,694, G>A. VCF-style: chr1-16936694-G-A. GRCh37 (hg19) VCF-style: chr1-17263189-G-A.
Identifiers: ClinVar variation 2638370 (VCV002638370.24), dbSNP rs189337269, ClinGen allele CA634335.